The following is an entry in ClinVar:

ClinVar aggregate classification (germline): Uncertain significance (1 of 4 stars; one submission).

Submission:

CeGaT Center for Human Genetics Tuebingen
Classification: Uncertain significance. Last evaluated: 2026-08-01. Review status: criteria provided, single submitter. Criteria: CeGaT Center For Human Genetics Tuebingen Variant Classification Criteria Version 2. Collection method: clinical testing. Allele origin: germline. Affected: yes. Observed: 1 variant allele.
Comment: COL6A2: PM2, PM4:Supporting

NM_001849.4(COL6A2):c.2761GTG[1] (p.Val922del)

Gene: COL6A2 (collagen type VI alpha 2 chain; plus strand). Cytogenetic location: 21q22.3.
Variant type: Microsatellite.
Coding change: c.2761GTG[1] on transcript NM_001849.4 (MANE Select); one copy of the 3-base unit GTG starting at c.2761; the reference has two copies in a row; one copy, 3 bases deleted.
Protein change: p.Val922del; deletes valine 922.
Genome position (GRCh38, 1-based): chr21:46,132,256-46,132,258, GTG deleted; deleting any 3 consecutive bases within chr21:46,132,253-46,132,258 gives the same sequence; the position shown is the placement nearest the transcript's 3' end. VCF-style (leftmost placement, unchanged base first): chr21-46132252-CGTG-C. GRCh37 (hg19) VCF-style: chr21-47552166-CGTG-C.
Other names: short protein forms V922del.
Identifiers: ClinVar variation 5040717 (VCV005040717.1).
Genomic context (GRCh38, chr21:46,132,252, plus strand): 5'-CATCCACGAGGCGCTGGAGACCACACAATACCTGAACTCCTTCTCGCACGTGGGCGCAGG[CGTG>C]GTGCACGCCATCAATGCCATCGTGCGCAGCCCGCGTGGCGGGGCCCGGAGGCACGCAGAG-3'